The following is an entry in ClinVar:

NM_004423.4(DVL3):c.1843G>A (p.Gly615Arg)

Gene: DVL3 (dishevelled segment polarity protein 3; plus strand). Cytogenetic location: 3q27.1.
Variant type: single nucleotide variant.
Coding change: c.1843G>A on transcript NM_004423.4 (MANE Select); coding-DNA position 1843, G replaced by A.
Protein change: p.Gly615Arg; replaces glycine 615 with arginine.
Molecular consequence: missense variant.
Genome position (GRCh38, 1-based): chr3:184,170,447, G>A. VCF-style: chr3-184170447-G-A. GRCh37 (hg19) VCF-style: chr3-183888235-G-A.
Other names: c.1843G>A (NM_004423.3); short protein forms G615R.
Identifiers: ClinVar variation 2146942 (VCV002146942.7), dbSNP rs371786195, ClinGen allele CA2727529.
Genomic context (GRCh38, chr3:184,170,447, plus strand): 5'-GACTCCAAGTCCGGGGGCAGCGGCAGCGAATCGGACCACACCACACGCAGCAGCCTGCGG[G>A]GGCCGCGGGAGCGGGCGCCCAGCGAGCGCTCAGGGCCGGCGGCCAGCGAGCACAGCCACC-3'
Protein context (NP_004414.3, residues 605-625): SDHTTRSSLR[Gly615Arg]PRERAPSERS

ClinVar aggregate classification (germline): Uncertain significance. Review status: criteria provided, multiple submitters, no conflicts (2 of 4 stars). 3 submissions from 3 submitters: Uncertain significance (3). Last evaluated 2025-06-13.

Conditions:
Inborn genetic diseases. Identifiers: MedGen C0950123, MeSH D030342.

Allele frequency attached by ClinVar (database versions not stated): gnomAD exomes 0.00008; ESP Exome Variant Server 0.00016; TOPMed 0.00003; ExAC 0.00005; gnomAD 0.00006.
gnomAD v4.1: 133 of 1,584,454 alleles (0.0084%); highest among the groups gnomAD compares: Non-Finnish European, 0.0086%; no homozygotes.

Submissions (3):

GeneDx
Classification: Uncertain significance. Last evaluated: 2025-06-13. Review status: criteria provided, single submitter. Criteria: GeneDx Variant Classification Process June 2021. Collection method: clinical testing. Allele origin: germline. Affected: yes.
Comment: In silico analysis suggests that this missense variant does not alter protein structure/function; Has not been previously published as pathogenic or benign to our knowledge

Labcorp Genetics (formerly Invitae), Labcorp
Classification: Uncertain significance. Last evaluated: 2025-02-20. Review status: criteria provided, single submitter. Criteria: Invitae Variant Classification Sherloc (09022015). Collection method: clinical testing. Allele origin: germline.
Comment: This sequence change replaces glycine, which is neutral and non-polar, with arginine, which is basic and polar, at codon 615 of the DVL3 protein (p.Gly615Arg). This variant is present in population databases (rs371786195, gnomAD 0.02%). This variant has not been reported in the literature in individuals affected with DVL3-related conditions. ClinVar contains an entry for this variant (Variation ID: 2146942). An algorithm developed to predict the effect of missense changes on protein structure and function (PolyPhen-2) suggests that this variant is likely to be disruptive. In summary, the available evidence is currently insufficient to determine the role of this variant in disease. Therefore, it has been classified as a Variant of Uncertain Significance.

Ambry Genetics
Classification: Uncertain significance for Inborn genetic diseases. Last evaluated: 2023-06-26. Review status: criteria provided, single submitter. Criteria: Ambry Variant Classification Scheme 2023. Collection method: clinical testing. Allele origin: germline.